The following is an entry in ClinVar:

ClinVar aggregate classification (germline): Conflicting classifications of pathogenicity. Review status: criteria provided, conflicting classifications (1 of 4 stars). 4 submissions from 4 submitters: Uncertain significance (3); Likely benign (1). Last evaluated 2023-07-15.

Conditions:
Hereditary cancer-predisposing syndrome. Also called: Neoplastic Syndromes, Hereditary; Tumor predisposition; Hereditary neoplastic syndrome; Hereditary Cancer Syndrome. Identifiers: Orphanet 140162, MedGen C0027672, MeSH D009386, MONDO:0015356.
Hereditary breast ovarian cancer syndrome. Also called: Hereditary breast and ovarian cancer syndrome; Hereditary breast and ovarian cancer; Hereditary breast and ovarian cancer syndrome (HBOC); Breast and ovarian cancer; Hereditary breast and/or ovarian cancer syndrome; BRCA1- and BRCA2-Associated Hereditary Breast and Ovarian Cancer. Identifiers: Orphanet 145, MedGen C0677776, MeSH D061325, MONDO:0003582. Disease mechanism: loss of function.

Submissions (4):

Ambry Genetics
Classification: Uncertain significance for Hereditary cancer-predisposing syndrome. Last evaluated: 2023-07-15. Review status: criteria provided, single submitter. Criteria: Ambry Variant Classification Scheme 2023. Collection method: clinical testing. Allele origin: germline.
Comment: The p.T1116P variant (also known as c.3346A>C), located in coding exon 10 of the BRCA2 gene, results from an A to C substitution at nucleotide position 3346. The threonine at codon 1116 is replaced by proline, an amino acid with highly similar properties. This alteration was observed with an allele frequency of 0.014% in 7,051 unselected female breast cancer patients and was not detected 11,241 female controls of Japanese ancestry (Momozawa Y et al. Nat Commun, 2018 10;9:4083). This amino acid position is not well conserved in available vertebrate species. In addition, this alteration is predicted to be tolerated by in silico analysis. Since supporting evidence is limited at this time, the clinical significance of this alteration remains unclear.

University of Washington Department of Laboratory Medicine, University of Washington
Classification: Likely benign for Hereditary cancer-predisposing syndrome. Last evaluated: 2023-03-23. Review status: criteria provided, single submitter. Criteria: Dines et al. (Genet Med. 2020). Collection method: curation. Allele origin: germline.
Comment: Missense variant in a coldspot region where missense variants are very unlikely to be pathogenic (PMID:31911673).

BRCA2 exon 11 coldspot. Reclassification based on statistical prior probability.

Labcorp Genetics (formerly Invitae), Labcorp
Classification: Uncertain significance for Hereditary breast ovarian cancer syndrome. Last evaluated: 2020-11-25. Review status: criteria provided, single submitter. Criteria: Invitae Variant Classification Sherloc (09022015). Collection method: clinical testing. Allele origin: germline.
Comment: In summary, the available evidence is currently insufficient to determine the role of this variant in disease. Therefore, it has been classified as a Variant of Uncertain Significance. Advanced modeling of protein sequence and biophysical properties (such as structural, functional, and spatial information, amino acid conservation, physicochemical variation, residue mobility, and thermodynamic stability) performed at Invitae indicates that this missense variant is not expected to disrupt BRCA2 protein function. This variant has been observed in individual(s) with breast cancer (PMID: 30287823). ClinVar contains an entry for this variant (Variation ID: 628550). This variant is not present in population databases (ExAC no frequency). This sequence change replaces threonine with proline at codon 1116 of the BRCA2 protein (p.Thr1116Pro). The threonine residue is moderately conserved and there is a small physicochemical difference between threonine and proline.

Color Diagnostics, LLC DBA Color Health
Classification: Uncertain significance for Hereditary cancer-predisposing syndrome. Last evaluated: 2019-06-11. Review status: criteria provided, single submitter. Criteria: ACMG Guidelines, 2015. Collection method: clinical testing. Allele origin: germline.

Literature cited by the submitters: PubMed 30287823 (cited by Ambry Genetics and Labcorp Genetics (formerly Invitae), Labcorp).

NM_000059.4(BRCA2):c.3346A>C (p.Thr1116Pro)

Gene: BRCA2 (BRCA2 DNA repair associated; plus strand). Cytogenetic location: 13q13.1.
Variant type: single nucleotide variant.
Coding change: c.3346A>C on transcript NM_000059.4 (MANE Select); coding-DNA position 3346, A replaced by C.
Protein change: p.Thr1116Pro; replaces threonine 1116 with proline.
Molecular consequence: missense variant.
Genome position (GRCh38, 1-based): chr13:32,337,701, A>C. VCF-style: chr13-32337701-A-C. GRCh37 (hg19) VCF-style: chr13-32911838-A-C.
Other names: short protein forms T1116P.
Identifiers: ClinVar variation 628550 (VCV000628550.15), dbSNP rs786204212, ClinGen allele CA387776324.